The following is an entry in ClinVar:

NM_017827.4(SARS2):c.248C>T (p.Ser83Leu)

Genes: SARS2 (seryl-tRNA synthetase 2, mitochondrial; minus strand), LOC130064387 (ATAC-STARR-seq lymphoblastoid active region 14604; plus strand). Cytogenetic location: 19q13.2.
Variant type: single nucleotide variant.
Coding change: c.248C>T on transcript NM_017827.4 (MANE Select); coding-DNA position 248, C replaced by T.
Protein change: p.Ser83Leu; replaces serine 83 with leucine.
Molecular consequence: missense variant.
Genome position (GRCh38, 1-based): chr19:38,930,489, G>A on the plus strand (C>T on the coding strand, the complement: SARS2 is on the minus strand). VCF-style: chr19-38930489-G-A. GRCh37 (hg19) VCF-style: chr19-39421129-G-A.
Other names: p.S83L:TCG>TTG; c.248C>T, p.Ser83Leu (NM_001145901.2); short protein forms S83L.
Identifiers: ClinVar variation 138961 (VCV000138961.43), dbSNP rs34050897, ClinGen allele CA293135.

ClinVar aggregate classification (germline): Conflicting classifications of pathogenicity. Review status: criteria provided, conflicting classifications (1 of 4 stars). 5 submissions from 5 submitters: Uncertain significance (1); Benign (3). 1 of the submissions does not count toward it. Last evaluated 2026-09-01.

Conditions:
Hyperuricemia, pulmonary hypertension, renal failure, alkalosis syndrome (HUPRAS). Also called: HYPERURICEMIA, PULMONARY HYPERTENSION, RENAL FAILURE, AND ALKALOSIS SYNDROME; HUPRA SYNDROME. Identifiers: Orphanet 363694, MedGen C3151209, MONDO:0013458, OMIM 613845.

Allele frequency attached by ClinVar (database versions not stated): gnomAD 0.00595 and 0.00658; TOPMed 0.00638; ESP Exome Variant Server 0.00639; 1000 Genomes Project 30x 0.00812; 1000 Genomes Project 0.00919; gnomAD exomes 0.00956 and 0.00964; ExAC 0.00998.

Submissions (5):

CeGaT Center for Human Genetics Tuebingen
Classification: Benign. Last evaluated: 2026-09-01. Review status: criteria provided, single submitter. Criteria: CeGaT Center For Human Genetics Tuebingen Variant Classification Criteria Version 2. Collection method: clinical testing. Allele origin: germline. Affected: yes. Observed: 15 variant alleles.
Comment: SARS2: BP4, BS1, BS2

Labcorp Genetics (formerly Invitae), Labcorp
Classification: Benign. Last evaluated: 2026-01-26. Review status: criteria provided, single submitter. Criteria: Invitae Variant Classification Sherloc (09022015). Collection method: clinical testing. Allele origin: germline.

Illumina Laboratory Services, Illumina
Classification: Uncertain significance for Hyperuricemia, pulmonary hypertension, renal failure, alkalosis syndrome. Last evaluated: 2018-01-12. Review status: criteria provided, single submitter. Criteria: ICSL Variant Classification Criteria 13 December 2019. Collection method: clinical testing. Allele origin: germline.

GeneDx
Classification: Benign. Last evaluated: 2014-01-13. Review status: criteria provided, single submitter. Criteria: GeneDx Variant Classification (06012015). Collection method: clinical testing. Allele origin: germline. Affected: yes.
Comment: This variant is considered likely benign or benign based on one or more of the following criteria: it is a conservative change, it occurs at a poorly conserved position in the protein, it is predicted to be benign by multiple in silico algorithms, and/or has population frequency not consistent with disease.

Mayo Clinic Laboratories, Mayo Clinic
Classification: Likely benign. Last evaluated: 2016-03-08. Review status: no assertion criteria provided. Collection method: clinical testing. Allele origin: unknown. Not counted in ClinVar's aggregate classification.